The following is an entry in ClinVar:

NM_182914.3(SYNE2):c.19033C>T (p.Arg6345Trp)

Gene: SYNE2 (spectrin repeat containing nuclear envelope protein 2; plus strand). Cytogenetic location: 14q23.2.
Variant type: single nucleotide variant.
Coding change: c.19033C>T on transcript NM_182914.3 (MANE Select); coding-DNA position 19033, C replaced by T.
Protein change: p.Arg6345Trp; replaces arginine 6345 with tryptophan.
Molecular consequence: missense variant.
Genome position (GRCh38, 1-based): chr14:64,212,982, C>T. VCF-style: chr14-64212982-C-T. GRCh37 (hg19) VCF-style: chr14-64679700-C-T.
Other names: c.19033C>T, p.Arg6345Trp (NM_015180.6); short protein forms R6345W.
Identifiers: ClinVar variation 1017761 (VCV001017761.8), dbSNP rs752861384, ClinGen allele CA7224284.
Genomic context (GRCh38, chr14:64,212,982, plus strand): 5'-GAGCTGGAGGAACTCCACCGCTACTGCCAGGAGGTGTTTGGAAGGGTCTCCCGGTTCCAC[C>T]GGCGGCTCACCTCCTGCACTCCGGTACGGGCACTGCTGCCTAGAAATGGCACCTGGGCTG-3'
Protein context (NP_878918.2, residues 6335-6355): EVFGRVSRFH[Arg6345Trp]RLTSCTPGLE

ClinVar aggregate classification (germline): Uncertain significance (1 of 4 stars; one submission).

Conditions:
Emery-Dreifuss muscular dystrophy 5, autosomal dominant (EDMD5). Also called: EMERY-DREIFUSS MUSCULAR DYSTROPHY 5. Identifiers: Orphanet 261, MedGen C2751805, MONDO:0013072, OMIM 612999.

Allele frequency attached by ClinVar (database versions not stated): gnomAD 0.00001; gnomAD exomes 0.00002 and 0.00003; ExAC 0.00004.
gnomAD v4.1: 23 of 1,613,588 alleles (0.0014%); highest among the groups gnomAD compares: South Asian, 0.012%; no homozygotes.

Submission:

Labcorp Genetics (formerly Invitae), Labcorp
Classification: Uncertain significance for Emery-Dreifuss muscular dystrophy 5, autosomal dominant. Last evaluated: 2022-06-13. Review status: criteria provided, single submitter. Criteria: Invitae Variant Classification Sherloc (09022015). Collection method: clinical testing. Allele origin: germline.
Comment: This sequence change replaces arginine, which is basic and polar, with tryptophan, which is neutral and slightly polar, at codon 6345 of the SYNE2 protein (p.Arg6345Trp). This variant is present in population databases (rs752861384, gnomAD 0.02%). This variant has not been reported in the literature in individuals affected with SYNE2-related conditions. ClinVar contains an entry for this variant (Variation ID: 1017761). Algorithms developed to predict the effect of missense changes on protein structure and function are either unavailable or do not agree on the potential impact of this missense change (SIFT: "Deleterious"; PolyPhen-2: "Probably Damaging"; Align-GVGD: "Class C0"). In summary, the available evidence is currently insufficient to determine the role of this variant in disease. Therefore, it has been classified as a Variant of Uncertain Significance.